The following is an entry in ClinVar:

NM_000051.4(ATM):c.9155G>A (p.Trp3052Ter)

Genes: ATM (ATM serine/threonine kinase; plus strand), C11orf65 (chromosome 11 open reading frame 65; minus strand). Cytogenetic location: 11q22.3.
Variant type: single nucleotide variant.
Coding change: c.9155G>A on transcript NM_000051.4 (MANE Select); coding-DNA position 9155, G replaced by A.
Protein change: p.Trp3052Ter; replaces tryptophan 3052 with a stop codon.
Molecular consequence: nonsense. On other transcripts: intron variant (2).
Genome position (GRCh38, 1-based): chr11:108,365,492, G>A. VCF-style: chr11-108365492-G-A. GRCh37 (hg19) VCF-style: chr11-108236219-G-A.
Other names: c.9155G>A, p.Trp3052Ter (NM_001351834.2); c.640+20428C>T (NM_001330368.2); c.694+20428C>T (NM_001351110.2); short protein forms W3052*.
Identifiers: ClinVar variation 2106206 (VCV002106206.1), dbSNP rs1591388369, ClinGen allele CA382532158.

ClinVar aggregate classification (germline): Uncertain significance. Review status: criteria provided, single submitter (1 of 4 stars). 2 submissions from 2 submitters: Uncertain significance (1). 1 of the submissions does not count toward it. Last evaluated 2022-09-13.

Conditions:
Malignant tumor of urinary bladder. Also called: Urinary Bladder Neoplasms; Bladder cancer; Urinary bladder cancer. Identifiers: MedGen C0005684, MONDO:0001187, OMIM 109800.
Ataxia-telangiectasia syndrome (AT). Also called: ATAXIA-TELANGIECTASIA, COMPLEMENTATION GROUP A; ATAXIA-TELANGIECTASIA, FRESNO VARIANT; Ataxia-telangiectasia; Ataxia-telangiectasia, complementation group E; LOUIS-BAR SYNDROME; Cerebello-oculocutaneous telangiectasia. Identifiers: Orphanet 100, MedGen C0004135, MONDO:0008840, OMIM 208900.

Submissions (2):

Labcorp Genetics (formerly Invitae), Labcorp
Classification: Uncertain significance for Ataxia-telangiectasia syndrome. Last evaluated: 2022-09-13. Review status: criteria provided, single submitter. Criteria: Invitae Variant Classification Sherloc (09022015). Collection method: clinical testing. Allele origin: germline.
Comment: This sequence change creates a premature translational stop signal (p.Trp3052*) in the ATM gene. While this is not anticipated to result in nonsense mediated decay, it is expected to disrupt the last 5 amino acid(s) of the ATM protein. This variant is not present in population databases (gnomAD no frequency). This variant has not been reported in the literature in individuals affected with ATM-related conditions. Experimental studies and prediction algorithms are not available or were not evaluated, and the functional significance of this variant is currently unknown. This variant disrupts a region of the ATM protein in which other variant(s) (p.Ala3054Val) have been observed in individuals with ATM-related conditions (PMID: 31050087). This suggests that this is a clinically significant region of the protein, and that variants that disrupt it are likely to be disease-causing. In summary, the available evidence is currently insufficient to determine the role of this variant in disease. Therefore, it has been classified as a Variant of Uncertain Significance.

Laboratory of Urology, Hospital Clinic de Barcelona
Classification: Pathogenic for Malignant tumor of urinary bladder. Review status: no assertion criteria provided. Collection method: research. Allele origin: somatic. Affected: yes. Not counted in ClinVar's aggregate classification.

Literature cited by the submitters: PubMed 31050087 (cited by Labcorp Genetics (formerly Invitae), Labcorp).